The following is an entry in ClinVar:

ClinVar aggregate classification (germline): Pathogenic (1 of 4 stars; one submission).

Conditions:
Osteogenesis imperfecta type I (OI1). Also called: OI, TYPE I; OSTEOGENESIS IMPERFECTA TARDA; OSTEOGENESIS IMPERFECTA WITH BLUE SCLERAE; Osteogenesis imperfecta type 1; Classic Non-deforming Osteogenesis Imperfecta with Blue Sclerae; Lobstein's Disease. Identifiers: Orphanet 216796, Orphanet 666, MedGen C0023931, MONDO:0008146, OMIM 166200. Disease mechanism: loss of function.
Ehlers-Danlos syndrome, classic type, 1 (EDSCL1). Also called: EDS I; EHLERS-DANLOS SYNDROME, GRAVIS TYPE; EHLERS-DANLOS SYNDROME, SEVERE CLASSIC TYPE; Ehlers-Danlos Syndrome, Classic Type, COL5A1-Related; Ehlers-Danlos syndrome, type 1. Identifiers: MedGen C0268335, MONDO:0019567, OMIM 130000.

Submission:

Labcorp Genetics (formerly Invitae), Labcorp
Classification: Pathogenic for Osteogenesis imperfecta type I; Ehlers-Danlos syndrome, classic type, 1. Last evaluated: 2023-11-27. Review status: criteria provided, single submitter. Criteria: Invitae Variant Classification Sherloc (09022015). Collection method: clinical testing. Allele origin: germline.
Comment: This sequence change replaces aspartic acid, which is acidic and polar, with glutamic acid, which is acidic and polar, at codon 1165 of the COL1A2 protein (p.Asp1165Glu). This variant is not present in population databases (gnomAD no frequency). This missense change has been observed in individuals with osteogenesis imperfecta (Invitae; LOVD). It has also been observed to segregate with disease in related individuals. ClinVar contains an entry for this variant (Variation ID: 665269). Advanced modeling of protein sequence and biophysical properties (such as structural, functional, and spatial information, amino acid conservation, physicochemical variation, residue mobility, and thermodynamic stability) has been performed at Invitae for this missense variant, however the output from this modeling did not meet the statistical confidence thresholds required to predict the impact of this variant on COL1A2 protein function. Algorithms developed to predict the effect of sequence changes on RNA splicing suggest that this variant may disrupt the consensus splice site. For these reasons, this variant has been classified as Pathogenic.

NM_000089.4(COL1A2):c.3495C>G (p.Asp1165Glu)

Gene: COL1A2 (collagen type I alpha 2 chain; plus strand). Cytogenetic location: 7q21.3.
Variant type: single nucleotide variant.
Coding change: c.3495C>G on transcript NM_000089.4 (MANE Select); coding-DNA position 3495, C replaced by G.
Protein change: p.Asp1165Glu; replaces aspartic acid 1165 with glutamic acid.
Molecular consequence: missense variant.
Genome position (GRCh38, 1-based): chr7:94,427,854, C>G. VCF-style: chr7-94427854-C-G. GRCh37 (hg19) VCF-style: chr7-94057166-C-G.
Other names: short protein forms D1165E.
Identifiers: ClinVar variation 665269 (VCV000665269.8), dbSNP rs72659340, ClinGen allele CA162941293.
Genomic context (GRCh38, chr7:94,427,854, plus strand): 5'-GATTGAGACCCTTCTTACTCCTGAAGGCTCTAGAAAGAACCCAGCTCGCACATGCCGTGA[C>G]TTGAGACTCAGCCACCCAGAGTGGAGCAGTGGTAGGTCAAGATGTCCAGACCAGACTGAC-3'
Protein context (NP_000080.2, residues 1155-1175): SRKNPARTCR[Asp1165Glu]LRLSHPEWSS